The following is an entry in ClinVar:

NM_015338.6(ASXL1):c.2623A>G (p.Met875Val)

Gene: ASXL1 (ASXL transcriptional regulator 1; plus strand). Cytogenetic location: 20q11.21.
Variant type: single nucleotide variant.
Coding change: c.2623A>G on transcript NM_015338.6 (MANE Select); coding-DNA position 2623, A replaced by G.
Protein change: p.Met875Val; replaces methionine 875 with valine.
Molecular consequence: missense variant.
Genome position (GRCh38, 1-based): chr20:32,435,335, A>G. VCF-style: chr20-32435335-A-G. GRCh37 (hg19) VCF-style: chr20-31023138-A-G.
Other names: c.2440A>G, p.Met814Val (NM_001363734.1); short protein forms M875V, M814V.
Identifiers: ClinVar variation 1986193 (VCV001986193.4), dbSNP rs747843845, ClinGen allele CA9808669.

ClinVar aggregate classification (germline): Uncertain significance (1 of 4 stars; one submission).

Allele frequency attached by ClinVar (database versions not stated): ExAC 0.00001; gnomAD 0.00002; gnomAD exomes 0.00002; TOPMed 0.00002.
gnomAD v4.1: 34 of 1,614,000 alleles (0.0021%); highest among the groups gnomAD compares: Non-Finnish European, 0.0025%; no homozygotes.

Submission:

Labcorp Genetics (formerly Invitae), Labcorp
Classification: Uncertain significance. Last evaluated: 2024-06-28. Review status: criteria provided, single submitter. Criteria: Invitae Variant Classification Sherloc (09022015). Collection method: clinical testing. Allele origin: germline.
Comment: This sequence change replaces methionine, which is neutral and non-polar, with valine, which is neutral and non-polar, at codon 875 of the ASXL1 protein (p.Met875Val). This variant is present in population databases (rs747843845, gnomAD 0.004%). This variant has not been reported in the literature in individuals affected with ASXL1-related conditions. ClinVar contains an entry for this variant (Variation ID: 1986193). Algorithms developed to predict the effect of missense changes on protein structure and function output the following: SIFT: "Not Available"; PolyPhen-2: "Benign"; Align-GVGD: "Not Available". The valine amino acid residue is found in multiple mammalian species, which suggests that this missense change does not adversely affect protein function. In summary, the available evidence is currently insufficient to determine the role of this variant in disease. Therefore, it has been classified as a Variant of Uncertain Significance.